The following is an entry in ClinVar:

NM_172341.4(PSENEN):c.166+2dup

Gene: PSENEN (presenilin enhancer, gamma-secretase subunit; plus strand). Cytogenetic location: 19q13.12.
Variant type: Duplication.
Coding change: c.166+2dup on transcript NM_172341.4 (MANE Select); the canonical splice donor site of the intron after coding-DNA position 166, one base duplicated (T; older notation c.166+2dupT).
Molecular consequence: splice donor variant.
Genome position (GRCh38, 1-based): chr19:35,746,525, T duplicated. VCF-style (leftmost placement, unchanged base first): chr19-35746524-G-GT. GRCh37 (hg19) VCF-style: chr19-36237425-G-GT.
Other names: c.166+2dup (NM_001281532.3).
Identifiers: ClinVar variation 4720031 (VCV004720031.1).

ClinVar aggregate classification (germline): Uncertain significance (1 of 4 stars; one submission).

Submission:

Labcorp Genetics (formerly Invitae), Labcorp
Classification: Uncertain significance. Last evaluated: 2025-05-22. Review status: criteria provided, single submitter. Criteria: Invitae Variant Classification Sherloc (09022015). Collection method: clinical testing. Allele origin: germline.
Comment: This sequence change falls in intron 3 of the PSENEN gene. It does not directly change the encoded amino acid sequence of the PSENEN protein. It affects a nucleotide within the consensus splice site. This variant is not present in population databases (gnomAD no frequency). This variant has not been reported in the literature in individuals affected with PSENEN-related conditions. Variants that disrupt the consensus splice site are a relatively common cause of aberrant splicing (PMID: 17576681, 9536098). Algorithms developed to predict the effect of sequence changes on RNA splicing suggest that this variant may disrupt the consensus splice site. In summary, the available evidence is currently insufficient to determine the role of this variant in disease. Therefore, it has been classified as a Variant of Uncertain Significance.

Literature cited by the submitters: PubMed 17576681; PubMed 9536098.